The following is an entry in ClinVar:

NM_000135.4(FANCA):c.2684C>A (p.Pro895His)

Genes: FANCA (FA complementation group A; minus strand), LOC130059837 (ATAC-STARR-seq lymphoblastoid active region 11420; plus strand). Cytogenetic location: 16q24.3.
Variant type: single nucleotide variant.
Coding change: c.2684C>A on transcript NM_000135.4 (MANE Select); coding-DNA position 2684, C replaced by A.
Protein change: p.Pro895His; replaces proline 895 with histidine.
Molecular consequence: missense variant.
Genome position (GRCh38, 1-based): chr16:89,764,984, G>T on the plus strand (C>A on the coding strand, the complement: FANCA is on the minus strand). VCF-style: chr16-89764984-G-T. GRCh37 (hg19) VCF-style: chr16-89831392-G-T.
Other names: c.2684C>A (NM_000135.2); c.2684C>A, p.Pro895His (NM_001286167.3); short protein forms P895H.
Identifiers: ClinVar variation 1025510 (VCV001025510.11), dbSNP rs1234246540, ClinGen allele CA397438457.
Genomic context (GRCh38, chr16:89,764,984, plus strand): 5'-GTTCTGTGTGTCCAGAGAGAGAGGGCAGCTCTCTGCCAGTCTGCAGAAGGAAGGTGCAAG[G>T]GTCTCCAGGAAAGGCTGGCTACGTCCTCCTCAGAAAGAGGCTGTCGGGCCTCTGAGAACA-3'
Protein context (NP_000126.2, residues 885-905): EEDVASLSWR[Pro895His]LHLPSADWQR

ClinVar aggregate classification (germline): Uncertain significance. Review status: criteria provided, multiple submitters, no conflicts (2 of 4 stars). 4 submissions from 4 submitters: Uncertain significance (3). 1 of the submissions does not count toward it. Last evaluated 2025-01-19.

Conditions:
Inborn genetic diseases. Identifiers: MedGen C0950123, MeSH D030342.
Fanconi anemia (FA). Also called: Fanconi's anemia. Identifiers: Orphanet 84, MedGen C0015625, MeSH D005199, MONDO:0019391.
Fanconi anemia complementation group A (FANCA). Also called: Fanconi anemia, group A; FANCA-Related Fanconi Anemia. Identifiers: Orphanet 84, MedGen C3469521, MONDO:0009215, OMIM 227650.

Submissions (4):

Ambry Genetics
Classification: Uncertain significance for Inborn genetic diseases. Last evaluated: 2025-01-19. Review status: criteria provided, single submitter. Criteria: Ambry Variant Classification Scheme 2023. Collection method: clinical testing. Allele origin: germline.
Comment: The p.P895H variant (also known as c.2684C>A), located in coding exon 28 of the FANCA gene, results from a C to A substitution at nucleotide position 2684. The proline at codon 895 is replaced by histidine, an amino acid with similar properties. This amino acid position is conserved. In addition, this alteration is predicted to be tolerated by in silico analysis. Based on the available evidence, the clinical significance of this variant remains unclear.

Fulgent Genetics
Classification: Uncertain significance for Fanconi anemia complementation group A. Last evaluated: 2024-04-25. Review status: criteria provided, single submitter. Criteria: ACMG Guidelines, 2015. Collection method: clinical testing. Allele origin: germline.

Labcorp Genetics (formerly Invitae), Labcorp
Classification: Uncertain significance for Fanconi anemia. Last evaluated: 2021-08-30. Review status: criteria provided, single submitter. Criteria: Invitae Variant Classification Sherloc (09022015). Collection method: clinical testing. Allele origin: germline.
Comment: This sequence change replaces proline with histidine at codon 895 of the FANCA protein (p.Pro895His). The proline residue is weakly conserved and there is a moderate physicochemical difference between proline and histidine. This variant is not present in population databases (ExAC no frequency). This variant has not been reported in the literature in individuals affected with FANCA-related conditions. Advanced modeling of protein sequence and biophysical properties (such as structural, functional, and spatial information, amino acid conservation, physicochemical variation, residue mobility, and thermodynamic stability) performed at Invitae indicates that this missense variant is not expected to disrupt FANCA protein function. In summary, the available evidence is currently insufficient to determine the role of this variant in disease. Therefore, it has been classified as a Variant of Uncertain Significance.

Natera, Inc.
Classification: Uncertain significance for Fanconi anemia. Last evaluated: 2021-01-13. Review status: no assertion criteria provided. Collection method: clinical testing. Allele origin: germline. Not counted in ClinVar's aggregate classification.